The following is an entry in ClinVar:

NM_001148.6(ANK2):c.2548+18T>C

Gene: ANK2 (ankyrin 2; plus strand). Cytogenetic location: 4q26.
Variant type: single nucleotide variant.
Coding change: c.2548+18T>C on transcript NM_001148.6 (MANE Select); 18 bases into the intron after coding-DNA position 2548, T replaced by C.
Molecular consequence: intron variant.
Genome position (GRCh38, 1-based): chr4:113,302,857, T>C. VCF-style: chr4-113302857-T-C. GRCh37 (hg19) VCF-style: chr4-114224013-T-C.
Other names: c.2536+18T>C (NM_001386186.2, NM_001386148.2); c.2338+18T>C (NM_001354269.3); c.2512+18T>C (NM_001386187.2); c.2506+18T>C (NM_001386147.1, NM_001386160.1, NM_001354261.2); c.2485+18T>C (NM_001354254.2, NM_001354239.2, NM_001354252.2 and 10 more transcripts); c.2386+18T>C (NM_001354253.2, NM_001354270.2, NM_001354257.2 and 1 more transcripts); c.2461+18T>C (NM_001354249.2, NM_001354266.2, NM_001354276.2 and 10 more transcripts); c.2362+18T>C (NM_001386151.1, NM_001354260.2, NM_001354271.2); and 9 more.
Identifiers: ClinVar variation 516165 (VCV000516165.5), dbSNP rs200150276, ClinGen allele CA3050598.
Genomic context (GRCh38, chr4:113,302,857, plus strand): 5'-CCTGAGACGATGACTGAGGTTCTTGATGTTTCTGATGAAGAGGGTAAGACTTCTATTCAA[T>C]CTTCTATGACACCTGTCATGTTCTTACACAAGGGCAAATTACCCTTTTTTTCAGAGACCA-3'

ClinVar aggregate classification (germline): Benign/Likely benign. Review status: criteria provided, multiple submitters, no conflicts (2 of 4 stars). 3 submissions from 3 submitters: Benign (2); Likely benign (1). Last evaluated 2026-01-06.

Conditions:
Long QT syndrome (LQTS). Identifiers: MedGen C0023976, MeSH D008133, MONDO:0002442. Disease mechanism: loss of function. Inheritance: Various modes of inheritance.

Allele frequency attached by ClinVar (database versions not stated): gnomAD 0.00003 and 0.00005; TOPMed 0.00003; ExAC 0.00004; gnomAD exomes 0.00007; 1000 Genomes Project 30x 0.00062; 1000 Genomes Project 0.00080.
gnomAD v4.1: 28 of 1,599,542 alleles (0.0018%); highest among the groups gnomAD compares: East Asian, 0.06%; no homozygotes.

Submissions (3):

Labcorp Genetics (formerly Invitae), Labcorp
Classification: Benign for Long QT syndrome. Last evaluated: 2026-01-06. Review status: criteria provided, single submitter. Criteria: Invitae Variant Classification Sherloc (09022015). Collection method: clinical testing. Allele origin: germline.

Blueprint Genetics
Classification: Likely benign. Last evaluated: 2023-07-12. Review status: criteria provided, single submitter. Criteria: ACMG Guidelines, 2015. Collection method: clinical testing. Allele origin: germline.

GeneDx
Classification: Benign. Last evaluated: 2017-01-30. Review status: criteria provided, single submitter. Criteria: GeneDx Variant Classification (06012015). Collection method: clinical testing. Allele origin: germline. Affected: yes.
Comment: This variant is considered likely benign or benign based on one or more of the following criteria: it is a conservative change, it occurs at a poorly conserved position in the protein, it is predicted to be benign by multiple in silico algorithms, and/or has population frequency not consistent with disease.